The following is an entry in ClinVar:

ClinVar aggregate classification (germline): Uncertain significance. Review status: criteria provided, multiple submitters, no conflicts (2 of 4 stars). 2 submissions from 2 submitters: Uncertain significance (2). Last evaluated 2024-07-12.

Submissions (2):

Women's Health and Genetics/Laboratory Corporation of America, LabCorp
Classification: Uncertain significance. Last evaluated: 2024-07-12. Review status: criteria provided, single submitter. Criteria: LabCorp Variant Classification Summary - May 2015. Collection method: clinical testing. Allele origin: germline.
Comment: Variant summary: DCX c.1058C>T (p.Ser353Leu) results in a non-conservative amino acid change in the encoded protein sequence. Three of five in-silico tools predict a damaging effect of the variant on protein function. The variant allele was found at a frequency of 1.7e-05 in 1204724in the gnomAD database (v4.1 dataset), including 4 hemizygotes. To our knowledge, no occurrence of c.1058C>T in individuals affected with DCX-Related Disorders and no experimental evidence demonstrating its impact on protein function have been reported. No submitters have cited clinical-significance assessments for this variant to ClinVar. Based on the evidence outlined above, the variant was classified as VUS-possibly benign.

Labcorp Genetics (formerly Invitae), Labcorp
Classification: Uncertain significance. Last evaluated: 2024-06-10. Review status: criteria provided, single submitter. Criteria: Invitae Variant Classification Sherloc (09022015). Collection method: clinical testing. Allele origin: germline.
Comment: This sequence change replaces serine, which is neutral and polar, with leucine, which is neutral and non-polar, at codon 353 of the DCX protein (p.Ser353Leu). The frequency data for this variant in the population databases is considered unreliable, as metrics indicate poor data quality at this position in the gnomAD database. This variant has not been reported in the literature in individuals affected with DCX-related conditions. An algorithm developed to predict the effect of missense changes on protein structure and function (PolyPhen-2) suggests that this variant is likely to be tolerated. In summary, the available evidence is currently insufficient to determine the role of this variant in disease. Therefore, it has been classified as a Variant of Uncertain Significance.

NM_001195553.2(DCX):c.1076C>T (p.Ser359Leu)

Gene: DCX (doublecortin; minus strand). Cytogenetic location: Xq23.
Variant type: single nucleotide variant.
Coding change: c.1076C>T on transcript NM_001195553.2 (MANE Select); coding-DNA position 1076, C replaced by T.
Protein change: p.Ser359Leu; replaces serine 359 with leucine.
Molecular consequence: missense variant. On other transcripts: 3 prime UTR variant (3).
Genome position (GRCh38, 1-based): chrX:111,301,712, G>A on the plus strand (C>T on the coding strand, the complement: DCX is on the minus strand). VCF-style: chrX-111301712-G-A. GRCh37 (hg19) VCF-style: chrX-110544940-G-A.
Other names: c.1301C>T, p.Ser434Leu (NM_000555.3); c.1076C>T, p.Ser359Leu (NM_001369370.1); c.1073C>T, p.Ser358Leu (NM_001369371.1, NM_178152.3); c.1061C>T, p.Ser354Leu (NM_001369372.1); c.*3C>T (NM_001369373.1, NM_001369374.1, NM_001410715.1); c.1058C>T, p.Ser353Leu (NM_178151.3, NM_178153.3); short protein forms S353L, S354L, S358L, S359L, S434L.
Identifiers: ClinVar variation 3338904 (VCV003338904.3).